The following is an entry in ClinVar:

NM_001290043.2(TAP2):c.1103G>C (p.Arg368Pro)

Gene: TAP2 (transporter 2, ATP binding cassette subfamily B member; minus strand). Cytogenetic location: 6p21.32.
Variant type: single nucleotide variant.
Coding change: c.1103G>C on transcript NM_001290043.2 (MANE Select); coding-DNA position 1103, G replaced by C.
Protein change: p.Arg368Pro; replaces arginine 368 with proline.
Molecular consequence: missense variant.
Genome position (GRCh38, 1-based): chr6:32,832,667, C>G on the plus strand (G>C on the coding strand, the complement: TAP2 is on the minus strand). VCF-style: chr6-32832667-C-G. GRCh37 (hg19) VCF-style: chr6-32800444-C-G.
Other names: c.1103G>C, p.Arg368Pro (NM_000544.3, NM_018833.3); short protein forms R368P.
Identifiers: ClinVar variation 1011788 (VCV001011788.6), dbSNP rs758423176, ClinGen allele CA136999798.

ClinVar aggregate classification (germline): Uncertain significance (1 of 4 stars; one submission).

Conditions:
MHC class I deficiency. Identifiers: Orphanet 34592, MedGen C6024714, MONDO:0011476.

Allele frequency attached by ClinVar (database versions not stated): TOPMed 0.00001.

Submission:

Labcorp Genetics (formerly Invitae), Labcorp
Classification: Uncertain significance for MHC class I deficiency 1. Last evaluated: 2021-08-24. Review status: criteria provided, single submitter. Criteria: Invitae Variant Classification Sherloc (09022015). Collection method: clinical testing. Allele origin: germline.
Comment: This sequence change replaces arginine with proline at codon 368 of the TAP2 protein (p.Arg368Pro). The arginine residue is moderately conserved and there is a moderate physicochemical difference between arginine and proline. This variant is not present in population databases (ExAC no frequency). This variant has not been reported in the literature in individuals affected with TAP2-related conditions. Algorithms developed to predict the effect of missense changes on protein structure and function are either unavailable or do not agree on the potential impact of this missense change (SIFT: "Deleterious"; PolyPhen-2: "Not Available"; Align-GVGD: "Class C0"). In summary, the available evidence is currently insufficient to determine the role of this variant in disease. Therefore, it has been classified as a Variant of Uncertain Significance.